The following is an entry in ClinVar:

ClinVar aggregate classification (germline): Uncertain significance (1 of 4 stars; one submission).

Conditions:
Developmental and epileptic encephalopathy, 34 (DEE34). Also called: SLC12A5-Related Epilepsy of Infancy with Migrating Focal Seizures; Early infantile epileptic encephalopathy 34. Identifiers: Orphanet 293181, MedGen C4225257, MONDO:0014718, OMIM 616645.

Submission:

Labcorp Genetics (formerly Invitae), Labcorp
Classification: Uncertain significance for Developmental and epileptic encephalopathy, 34. Last evaluated: 2022-06-14. Review status: criteria provided, single submitter. Criteria: Invitae Variant Classification Sherloc (09022015). Collection method: clinical testing. Allele origin: germline.
Comment: In summary, the available evidence is currently insufficient to determine the role of this variant in disease. Therefore, it has been classified as a Variant of Uncertain Significance. Algorithms developed to predict the effect of missense changes on protein structure and function are either unavailable or do not agree on the potential impact of this missense change (SIFT: "Deleterious"; PolyPhen-2: "Possibly Damaging"; Align-GVGD: "Class C0"). This variant has not been reported in the literature in individuals affected with SLC12A5-related conditions. This variant is not present in population databases (gnomAD no frequency). This sequence change replaces leucine, which is neutral and non-polar, with phenylalanine, which is neutral and non-polar, at codon 711 of the SLC12A5 protein (p.Leu711Phe).

NM_020708.5(SLC12A5):c.2131C>T (p.Leu711Phe)

Gene: SLC12A5 (solute carrier family 12 member 5; plus strand). Cytogenetic location: 20q13.12.
Variant type: single nucleotide variant.
Coding change: c.2131C>T on transcript NM_020708.5 (MANE Select); coding-DNA position 2131, C replaced by T.
Protein change: p.Leu711Phe; replaces leucine 711 with phenylalanine.
Molecular consequence: missense variant.
Genome position (GRCh38, 1-based): chr20:46,049,740, C>T. VCF-style: chr20-46049740-C-T. GRCh37 (hg19) VCF-style: chr20-44678379-C-T.
Other names: c.2200C>T, p.Leu734Phe (NM_001134771.2); short protein forms L711F, L734F.
Identifiers: ClinVar variation 2006587 (VCV002006587.4), dbSNP rs1481472580, ClinGen allele CA409202513.
Genomic context (GRCh38, chr20:46,049,740, plus strand): 5'-CTGCTCTCACTGACCTCCCAGCTGAAGGCGGGGAAGGGCCTGACCATCGTGGGCTCTGTC[C>T]TTGAGGGCACCTTTCTGGAAAATCATCCACAGGCCCAGCGGGCAGAAGAGGTGAGCAGAG-3'
Protein context (NP_065759.1, residues 701-721): GKGLTIVGSV[Leu711Phe]EGTFLENHPQ